The following is an entry in ClinVar:

NM_000540.3(RYR1):c.652G>A (p.Val218Ile)

Gene: RYR1 (ryanodine receptor 1; plus strand). Cytogenetic location: 19q13.2.
Variant type: single nucleotide variant.
Coding change: c.652G>A on transcript NM_000540.3 (MANE Select); coding-DNA position 652, G replaced by A.
Protein change: p.Val218Ile; replaces valine 218 with isoleucine.
Molecular consequence: missense variant.
Genome position (GRCh38, 1-based): chr19:38,446,492, G>A. VCF-style: chr19-38446492-G-A. GRCh37 (hg19) VCF-style: chr19-38937132-G-A.
Other names: NM_000540.2(RYR1):c.652G>A; p.Val218Ile; c.652G>A, p.Val218Ile (NM_001042723.2); short protein forms V218I.
Identifiers: ClinVar variation 133160 (VCV000133160.10), dbSNP rs193922759, ClinGen allele CA024605.

ClinVar aggregate classification (germline): Uncertain significance. Review status: reviewed by expert panel (3 of 4 stars). 6 submissions from 6 submitters: Uncertain significance (1). 5 of the submissions do not count toward it. Last evaluated 2025-08-01.

Conditions:
RYR1-related disorder. Also called: RYR1-related disorders; RYR1-related condition. Identifiers: MedGen CN239331.
Malignant hyperthermia, susceptibility to, 1 (MHS1). Also called: RYR1-Related Malignant Hyperthermia Susceptibility; Malignant hyperthermia suceptibility 1; Anesthesia related hyperthermia; Malignant hyperpyrexia; Fulminating hyperpyrexia; Pharmacogenic myopathy. Identifiers: Orphanet 423, MedGen C2930980, MONDO:0007783, OMIM 145600.

Allele frequency attached by ClinVar (database versions not stated): TOPMed below 0.00001; gnomAD 0.00001; gnomAD exomes 0.00001 and 0.00003.
gnomAD v4.1: 38 of 1,613,994 alleles (0.0024%); highest among the groups gnomAD compares: East Asian, 0.011%; no homozygotes.

Submissions (6):

ClinGen Malignant Hyperthermia Susceptibility Variant Curation Expert Panel, ClinGen
Classification: Uncertain significance for Malignant hyperthermia, susceptibility to, 1. Last evaluated: 2025-08-01. Review status: reviewed by expert panel. Criteria: ClinGen MHS ACMG Specifications V2. Collection method: curation. Allele origin: germline. Inheritance: Autosomal dominant inheritance.
Comment: This pathogenicity assessment is relevant only for malignant hyperthermia susceptibility (MHS) inherited in an autosomal dominant pattern. Variants in RYR1 can also cause other myopathies inherited in an autosomal dominant pattern or in an autosomal recessive pattern. Some of these disorders may predispose individuals to malignant hyperthermia. RYR1 variants may also contribute to a malignant hyperthermia reaction in combination with other genetic and non-genetic factors and the clinician needs to consider such factors in making management decisions. This sequence variant predicts a substitution of Valine with Isoluecine at codon 218 of the RYR1 protein, p.(Val218Ile). The maximum allele frequency for this variant among the six major gnomAD populations is NFE: 0.000023, a frequency consistent with pathogenicity for MHS. This variant has been reported in three unrelated individuals who have a personal or family history of a malignant hyperthermia reaction, one of these individuals had a positive in vitro contracture test (IVCT) or caffeine halothane contracture test (CHCT) result (if the proband was unavailable for testing, a positive diagnostic test result in a mutation-positive relative was counted), (PMID:30236257; PMID:16732084). One individual (without contracture testing) had a second variant of unknown significance in RYR1 (p.Glu4283Val) and was not counted toward PS4, PS4_Supporting was implemented. No functional studies were identified for this variant. This variant resides in a region of RYR1 considered to be a hotspot for pathogenic variants that contribute to MHS, PM1, (PMID: 21118704). A REVEL score 0f 0.801 supports neither a pathogenic nor a benign status for this variant. This variant has been classified as a Variant of Unknown Significance. Criteria implemented: PS4_Supporting, PM1.

Labcorp Genetics (formerly Invitae), Labcorp
Classification: Uncertain significance for RYR1-related disorder. Last evaluated: 2025-10-12. Review status: criteria provided, single submitter. Criteria: Invitae Variant Classification Sherloc (09022015). Collection method: clinical testing. Allele origin: germline. Not counted in ClinVar's aggregate classification.
Comment: This sequence change replaces valine, which is neutral and non-polar, with isoleucine, which is neutral and non-polar, at codon 218 of the RYR1 protein (p.Val218Ile). This variant is present in population databases (rs193922759, gnomAD 0.002%). This missense change has been observed in individual(s) with autosomal dominant malignant hyperthermia susceptibility (PMID: 16732084, 16917943, 30236257). ClinVar contains an entry for this variant (Variation ID: 133160). Invitae Evidence Modeling of protein sequence and biophysical properties (such as structural, functional, and spatial information, amino acid conservation, physicochemical variation, residue mobility, and thermodynamic stability) has been performed for this missense variant. However, the output from this modeling did not meet the statistical confidence thresholds required to predict the impact of this variant on RYR1 protein function. In summary, the available evidence is currently insufficient to determine the role of this variant in disease. Therefore, it has been classified as a Variant of Uncertain Significance.

All of Us Research Program, National Institutes of Health
Classification: Uncertain significance for Malignant hyperthermia, susceptibility to, 1. Last evaluated: 2024-05-14. Review status: criteria provided, single submitter. Criteria: ACMG Guidelines, 2015. Collection method: clinical testing. Allele origin: germline. Inheritance: Autosomal dominant inheritance. Observed: 8 variant alleles, 8 heterozygotes. Not counted in ClinVar's aggregate classification.
Comment: This missense variant replaces valine with isoleucine at codon 218 of the RYR1 protein. Computational prediction suggests that this variant may have deleterious impact on protein structure and function (internally defined REVEL score threshold >= 0.7, PMID: 27666373). Although functional studies have not been reported for this variant, it occurs in a region of RYR1 considered to be a hotspot for pathogenic variants that contribute to malignant hyperthermia susceptibility (PMID: 21118704). This variant has been reported in at least three individuals with a personal or family history of malignant hyperthermia (PMID: 16732084, 30236257). This variant has been identified in 3/282850 chromosomes in the general population by the Genome Aggregation Database (gnomAD). The available evidence is insufficient to determine the role of this variant in disease conclusively. Therefore, this variant is classified as a Variant of Uncertain Significance.

This study involves interpretation of variants in research participants for the purpose of population health screening. Participant phenotype was not available at the time of variant classification. Additional details can be found in publication PMID: 35346344, PMCID: PMC8962531

Women's Health and Genetics/Laboratory Corporation of America, LabCorp
Classification: Uncertain significance. Last evaluated: 2024-04-25. Review status: criteria provided, single submitter. Criteria: LabCorp Variant Classification Summary - May 2015. Collection method: clinical testing. Allele origin: germline. Not counted in ClinVar's aggregate classification.
Comment: Variant summary: RYR1 c.652G>A (p.Val218Ile) results in a conservative amino acid change located in the MIR motif domain (IPR016093) of the encoded protein sequence. Four of five in-silico tools predict a damaging effect of the variant on protein function. The variant allele was found at a frequency of 8e-06 in 251452 control chromosomes. The available data on variant occurrences in the general population are insufficient to allow any conclusion about variant significance. c.652G>A has been reported in the literature in individuals affected with Malignant Hyperthermia Susceptibility (Ibarra_2006, Robinson_2006, Miller_2018). These data do not allow any conclusion about variant significance. To our knowledge, no experimental evidence demonstrating an impact on protein function has been reported. The following publications have been ascertained in the context of this evaluation (PMID: 16732084, 30236257, 16917943). ClinVar contains an entry for this variant (Variation ID: 133160). Based on the evidence outlined above, the variant was classified as uncertain significance.

Color Diagnostics, LLC DBA Color Health
Classification: Uncertain significance for Malignant hyperthermia, susceptibility to, 1. Last evaluated: 2024-04-17. Review status: criteria provided, single submitter. Criteria: ACMG Guidelines, 2015. Collection method: clinical testing. Allele origin: germline. Not counted in ClinVar's aggregate classification.
Comment: This missense variant replaces valine with isoleucine at codon 218 of the RYR1 protein. Computational prediction is inconclusive regarding the impact of this variant on protein structure and function. Although functional studies have not been reported for this variant, it occurs in a region of RYR1 considered to be a hotspot for pathogenic variants that contribute to malignant hyperthermia susceptibility (PMID: 21118704). This variant has been reported in at least three individuals with a personal or family history of malignant hyperthermia (PMID: 16732084, 30236257). This variant has been identified in 3/282850 chromosomes in the general population by the Genome Aggregation Database (gnomAD). The available evidence is insufficient to determine the role of this variant in disease conclusively. Therefore, this variant is classified as a Variant of Uncertain Significance.

RYR1 database
No classification provided. Review status: no classification provided. Collection method: not provided. Allele origin: unknown. Not counted in ClinVar's aggregate classification.

Literature cited by the submitters: PubMed 16732084 (cited by 4 submitters); PubMed 16917943 (cited by Labcorp Genetics (formerly Invitae), Labcorp and Women's Health and Genetics/Laboratory Corporation of America, LabCorp); PubMed 30236257 (cited by 4 submitters); PubMed 21118704 (cited by All of Us Research Program, National Institutes of Health and Color Diagnostics, LLC DBA Color Health).